The following is an entry in ClinVar:

ClinVar aggregate classification (germline): Conflicting classifications of pathogenicity. Review status: criteria provided, conflicting classifications (1 of 4 stars). 2 submissions from 2 submitters: Uncertain significance (1); Likely benign (1). Last evaluated 2024-11-05.

Allele frequency attached by ClinVar (database versions not stated): gnomAD exomes 0.00001 and 0.00002; TOPMed 0.00008; gnomAD 0.00006.
gnomAD v4.1: 17 of 1,609,968 alleles (0.0011%); highest among the groups gnomAD compares: African/African-American, 0.02%; no homozygotes.

Submissions (2):

Labcorp Genetics (formerly Invitae), Labcorp
Classification: Uncertain significance. Last evaluated: 2024-11-05. Review status: criteria provided, single submitter. Criteria: Invitae Variant Classification Sherloc (09022015). Collection method: clinical testing. Allele origin: germline.
Comment: This sequence change falls in intron 13 of the LONP1 gene. It does not directly change the encoded amino acid sequence of the LONP1 protein. It affects a nucleotide within the consensus splice site. This variant is present in population databases (no rsID available, gnomAD 0.02%). This variant has not been reported in the literature in individuals affected with LONP1-related conditions. ClinVar contains an entry for this variant (Variation ID: 680902). Variants that disrupt the consensus splice site are a relatively common cause of aberrant splicing (PMID: 17576681, 9536098). Algorithms developed to predict the effect of sequence changes on RNA splicing suggest that this variant is not likely to affect RNA splicing. In summary, the available evidence is currently insufficient to determine the role of this variant in disease. Therefore, it has been classified as a Variant of Uncertain Significance.

GeneDx
Classification: Likely benign. Last evaluated: 2018-03-23. Review status: criteria provided, single submitter. Criteria: GeneDx Variant Classification (06012015). Collection method: clinical testing. Allele origin: germline. Affected: yes.
Comment: This variant is considered likely benign or benign based on one or more of the following criteria: it is a conservative change, it occurs at a poorly conserved position in the protein, it is predicted to be benign by multiple in silico algorithms, and/or has population frequency not consistent with disease.

Literature cited by the submitters: PubMed 17576681 (cited by Labcorp Genetics (formerly Invitae), Labcorp); PubMed 9536098 (cited by Labcorp Genetics (formerly Invitae), Labcorp).

NM_004793.4(LONP1):c.2013+6C>T

Gene: LONP1 (lon peptidase 1, mitochondrial; minus strand). Cytogenetic location: 19p13.3.
Variant type: single nucleotide variant.
Coding change: c.2013+6C>T on transcript NM_004793.4 (MANE Select); 6 bases into the intron after coding-DNA position 2013, C replaced by T.
Molecular consequence: intron variant.
Genome position (GRCh38, 1-based): chr19:5,696,048, G>A on the plus strand (C>T on the coding strand, the complement: LONP1 is on the minus strand). VCF-style: chr19-5696048-G-A. GRCh37 (hg19) VCF-style: chr19-5696059-G-A.
Other names: c.1425+6C>T (NM_001276480.1); c.1821+6C>T (NM_001276479.2).
Identifiers: ClinVar variation 680902 (VCV000680902.5), dbSNP rs1025252513, ClinGen allele CA304610273.
Genomic context (GRCh38, chr19:5,696,048, plus strand): 5'-CTGCAGGCTCTGGGGGGCGCCCCCTGCTCTGGGAAGGGGACAGCAGTGGGGAGGGGCTGG[G>A]CTTACCTCCGCAATGGCCAGCTTCTCCTGGGCCACGTAGCCCGACACGTTGATCATCTCC-3'